The following is an entry in ClinVar:

NM_000108.5(DLD):c.263C>T (p.Ser88Phe)

Gene: DLD (dihydrolipoamide dehydrogenase; plus strand). Cytogenetic location: 7q31.1.
Variant type: single nucleotide variant.
Coding change: c.263C>T on transcript NM_000108.5 (MANE Select); coding-DNA position 263, C replaced by T.
Protein change: p.Ser88Phe; replaces serine 88 with phenylalanine.
Molecular consequence: missense variant. On other transcripts: intron variant (2).
Genome position (GRCh38, 1-based): chr7:107,902,389, C>T. VCF-style: chr7-107902389-C-T. GRCh37 (hg19) VCF-style: chr7-107542834-C-T.
Other names: c.263C>T, p.Ser88Phe (NM_001289752.1); c.198+572C>T (NM_001289751.1); c.-30-1089C>T (NM_001289750.1); short protein forms S88F.
Identifiers: ClinVar variation 1311933 (VCV001311933.2), dbSNP rs985832127, ClinGen allele CA164247655.

ClinVar aggregate classification (germline): Uncertain significance (1 of 4 stars; one submission).

Allele frequency attached by ClinVar (database versions not stated): TOPMed 0.00001.

Submission:

GeneDx
Classification: Uncertain significance. Last evaluated: 2020-01-28. Review status: criteria provided, single submitter. Criteria: GeneDx Variant Classification Process June 2021. Collection method: clinical testing. Allele origin: germline. Affected: yes.
Comment: Not observed in large population cohorts (Lek et al., 2016); In silico analysis, which includes protein predictors and evolutionary conservation, supports a deleterious effect; Has not been previously published as pathogenic or benign to our knowledge